The following is an entry in ClinVar:

NM_203447.4(DOCK8):c.6232C>T (p.Gln2078Ter)

Gene: DOCK8 (dedicator of cytokinesis 8; plus strand). Cytogenetic location: 9p24.3.
Variant type: single nucleotide variant.
Coding change: c.6232C>T on transcript NM_203447.4 (MANE Select); coding-DNA position 6232, C replaced by T.
Protein change: p.Gln2078Ter; replaces glutamine 2078 with a stop codon.
Molecular consequence: nonsense.
Genome position (GRCh38, 1-based): chr9:463,680, C>T. VCF-style: chr9-463680-C-T. GRCh37 (hg19) VCF-style: chr9-463680-C-T.
Other names: c.5932C>T, p.Gln1978Ter (NM_001190458.2); c.6028C>T, p.Gln2010Ter (NM_001193536.2); short protein forms Q1978*, Q2078*, Q2010*.
Identifiers: ClinVar variation 4747773 (VCV004747773.1).

ClinVar aggregate classification (germline): Uncertain significance (1 of 4 stars; one submission).

Conditions:
Combined immunodeficiency due to DOCK8 deficiency (HIES2). Also called: HIES autosomal recessive; DOCK8 Deficiency; HYPER-IgE SYNDROME 2, AUTOSOMAL RECESSIVE, WITH RECURRENT INFECTIONS; Hyper-IgE recurrent infection syndrome, autosomal recessive; HYPER-IgE RECURRENT INFECTION SYNDROME 2, AUTOSOMAL RECESSIVE. Identifiers: Orphanet 217390, MedGen C4722305, MONDO:0009478, OMIM 243700.

gnomAD v4.1: 9 of 1,613,612 alleles (0.00056%); highest among the groups gnomAD compares: Non-Finnish European, 0.00076%; no homozygotes.

Submission:

Labcorp Genetics (formerly Invitae), Labcorp
Classification: Uncertain significance for Combined immunodeficiency due to DOCK8 deficiency. Last evaluated: 2025-05-21. Review status: criteria provided, single submitter. Criteria: Invitae Variant Classification Sherloc (09022015). Collection method: clinical testing. Allele origin: germline.
Comment: This sequence change creates a premature translational stop signal (p.Gln2078*) in the DOCK8 gene. While this is not anticipated to result in nonsense mediated decay, it is expected to disrupt the last 22 amino acid(s) of the DOCK8 protein. This variant is not present in population databases (gnomAD no frequency). This variant has not been reported in the literature in individuals affected with DOCK8-related conditions. Experimental studies and prediction algorithms are not available or were not evaluated, and the functional significance of this variant is currently unknown. In summary, the available evidence is currently insufficient to determine the role of this variant in disease. Therefore, it has been classified as a Variant of Uncertain Significance.